The following is an entry in ClinVar:

ClinVar aggregate classification (germline): Conflicting classifications of pathogenicity. Review status: criteria provided, conflicting classifications (1 of 4 stars). 2 submissions from 2 submitters: Uncertain significance (1); Likely benign (1). Last evaluated 2025-05-22.

Conditions:
Hereditary cancer-predisposing syndrome. Also called: Hereditary neoplastic syndrome; Neoplastic Syndromes, Hereditary; Tumor predisposition; Hereditary Cancer Syndrome. Identifiers: Orphanet 140162, MedGen C0027672, MeSH D009386, MONDO:0015356.
Birt-Hogg-Dube syndrome. Also called: Birt Hogg Dubé syndrome. Identifiers: Orphanet 122, MedGen C0346010, MONDO:0800444.

Allele frequency attached by ClinVar (database versions not stated): TOPMed below 0.00001; ExAC 0.00001; gnomAD 0.00001; gnomAD exomes 0.00001; ESP Exome Variant Server 0.00008.
gnomAD v4.1: 14 of 1,614,192 alleles (0.00087%); highest among the groups gnomAD compares: African/African-American, 0.004%; no homozygotes.

Submissions (2):

Ambry Genetics
Classification: Likely benign for Hereditary cancer-predisposing syndrome. Last evaluated: 2025-05-22. Review status: criteria provided, single submitter. Criteria: Ambry Variant Classification Scheme 2023. Collection method: clinical testing. Allele origin: germline.

Labcorp Genetics (formerly Invitae), Labcorp
Classification: Uncertain significance for Birt-Hogg-Dube syndrome. Last evaluated: 2024-11-30. Review status: criteria provided, single submitter. Criteria: Invitae Variant Classification Sherloc (09022015). Collection method: clinical testing. Allele origin: germline.
Comment: This sequence change replaces arginine, which is basic and polar, with histidine, which is basic and polar, at codon 218 of the FLCN protein (p.Arg218His). This variant is present in population databases (rs367843558, gnomAD 0.003%). This missense change has been observed in individual(s) with Birt-Hogg-Dubé syndrome that also carried a different Pathogenic variant in FLCN (PMID: 35221599). This variant is also known as p.Arg258His. ClinVar contains an entry for this variant (Variation ID: 409381). Invitae Evidence Modeling of protein sequence and biophysical properties (such as structural, functional, and spatial information, amino acid conservation, physicochemical variation, residue mobility, and thermodynamic stability) indicates that this missense variant is not expected to disrupt FLCN protein function with a negative predictive value of 80%. In summary, the available evidence is currently insufficient to determine the role of this variant in disease. Therefore, it has been classified as a Variant of Uncertain Significance.

Literature cited by the submitters: PubMed 35221599 (cited by Ambry Genetics and Labcorp Genetics (formerly Invitae), Labcorp).

NM_144997.7(FLCN):c.653G>A (p.Arg218His)

Gene: FLCN (folliculin; minus strand). Cytogenetic location: 17p11.2.
Variant type: single nucleotide variant.
Coding change: c.653G>A on transcript NM_144997.7 (MANE Select); coding-DNA position 653, G replaced by A.
Protein change: p.Arg218His; replaces arginine 218 with histidine.
Molecular consequence: missense variant.
Genome position (GRCh38, 1-based): chr17:17,222,627, C>T on the plus strand (G>A on the coding strand, the complement: FLCN is on the minus strand). VCF-style: chr17-17222627-C-T. GRCh37 (hg19) VCF-style: chr17-17125941-C-T.
Other names: c.653G>A (LRG_325t1); c.707G>A, p.Arg236His (NM_001353229.2); c.653G>A, p.Arg218His (NM_001353230.2, NM_001353231.2, NM_144606.7); short protein forms R218H, R236H.
Identifiers: ClinVar variation 409381 (VCV000409381.10), dbSNP rs367843558, ClinGen allele CA8416343.
Genomic context (GRCh38, chr17:17,222,627, plus strand): 5'-GCGGCGTTGCCGTTCCTCTGGTGTAGGAATGGCGTGAAGGCTGTGTTCATCCTCTGAGCA[C>T]GCTGTGGGCATCCAAACTGCTCTGCCTCAAACACCTGAAATGCAAAGGGAAGGGATGGCC-3'
Protein context (NP_659434.2, residues 208-228): FEAEQFGCPQ[Arg218His]AQRMNTAFTP